The following is an entry in ClinVar:

ClinVar aggregate classification (germline): Likely pathogenic (1 of 4 stars; one submission).

Conditions:
Autosomal recessive nonsyndromic hearing loss 3. Also called: NEUROSENSORY NONSYNDROMIC RECESSIVE DEAFNESS 3. Identifiers: Orphanet 90636, MedGen C1838263, MONDO:0010860, OMIM 600316.

gnomAD v4.1: 2 of 1,613,858 alleles (0.00012%); highest among the groups gnomAD compares: East Asian, 0.0045%; no homozygotes.

Submission:

Institute of Rare Diseases, West China Hospital, Sichuan University
Classification: Likely pathogenic for Autosomal recessive nonsyndromic hearing loss 3. Last evaluated: 2025-01-09. Review status: criteria provided, single submitter. Criteria: ClinGen HL ACMG Specifications v1. Collection method: research. Allele origin: germline. Affected: yes.
Comment: PM3_Strong;PM2_Supporting;PP3

NM_016239.4(MYO15A):c.5023T>C (p.Phe1675Leu)

Gene: MYO15A (myosin XVA; plus strand). Cytogenetic location: 17p11.2.
Variant type: single nucleotide variant.
Coding change: c.5023T>C on transcript NM_016239.4 (MANE Select); coding-DNA position 5023, T replaced by C.
Protein change: p.Phe1675Leu; replaces phenylalanine 1675 with leucine.
Molecular consequence: missense variant.
Genome position (GRCh38, 1-based): chr17:18,138,826, T>C. VCF-style: chr17-18138826-T-C. GRCh37 (hg19) VCF-style: chr17-18042140-T-C.
Other names: short protein forms F1675L.
Identifiers: ClinVar variation 3601353 (VCV003601353.1).